The following is an entry in ClinVar:

ClinVar aggregate classification (germline): Uncertain significance (1 of 4 stars; one submission).

Allele frequency attached by ClinVar (database versions not stated): ExAC 0.00003; TOPMed 0.00003; gnomAD 0.00005; gnomAD exomes 0.00013.
gnomAD v4.1: 187 of 1,609,334 alleles (0.012%); highest among the groups gnomAD compares: Non-Finnish European, 0.016%; no homozygotes.

Submission:

Labcorp Genetics (formerly Invitae), Labcorp
Classification: Uncertain significance. Last evaluated: 2025-12-15. Review status: criteria provided, single submitter. Criteria: Invitae Variant Classification Sherloc (09022015). Collection method: clinical testing. Allele origin: germline.
Comment: This sequence change falls in intron 33 of the NBAS gene. It does not directly change the encoded amino acid sequence of the NBAS protein. It affects a nucleotide within the consensus splice site. This variant is present in population databases (rs773713164, gnomAD 0.01%). This variant has not been reported in the literature in individuals affected with NBAS-related conditions. ClinVar contains an entry for this variant (Variation ID: 2148842). Variants that disrupt the consensus splice site are a relatively common cause of aberrant splicing (PMID: 17576681, 9536098). Algorithms developed to predict the effect of sequence changes on RNA splicing suggest that this variant may disrupt the consensus splice site. In summary, the available evidence is currently insufficient to determine the role of this variant in disease. Therefore, it has been classified as a Variant of Uncertain Significance.

Literature cited by the submitters: PubMed 17576681; PubMed 9536098.

NM_015909.4(NBAS):c.3931+5G>A

Gene: NBAS (NBAS subunit of NRZ tethering complex; minus strand). Cytogenetic location: 2p24.3.
Variant type: single nucleotide variant.
Coding change: c.3931+5G>A on transcript NM_015909.4 (MANE Select); 5 bases into the intron after coding-DNA position 3931, G replaced by A.
Molecular consequence: intron variant.
Genome position (GRCh38, 1-based): chr2:15,356,298, C>T on the plus strand (G>A on the coding strand, the complement: NBAS is on the minus strand). VCF-style: chr2-15356298-C-T. GRCh37 (hg19) VCF-style: chr2-15496422-C-T.
Identifiers: ClinVar variation 2148842 (VCV002148842.3), dbSNP rs773713164, ClinGen allele CA1535855.